The following is an entry in ClinVar:

NM_001171.6(ABCC6):c.3903C>T (p.Thr1301=)

Gene: ABCC6 (ATP binding cassette subfamily C member 6; minus strand). Cytogenetic location: 16p13.11.
Variant type: single nucleotide variant.
Coding change: c.3903C>T on transcript NM_001171.6 (MANE Select); coding-DNA position 3903, C replaced by T.
Protein change: p.Thr1301=; no amino-acid change (threonine 1301 retained).
Molecular consequence: synonymous variant. On other transcripts: non-coding transcript variant (1).
Genome position (GRCh38, 1-based): chr16:16,155,011, G>A on the plus strand (C>T on the coding strand, the complement: ABCC6 is on the minus strand). VCF-style: chr16-16155011-G-A. GRCh37 (hg19) VCF-style: chr16-16248868-G-A.
Other names: c.3561C>T, p.Thr1187= (NM_001351800.1); c.3903C>T (NM_001171.5).
Identifiers: ClinVar variation 1284660 (VCV001284660.45), dbSNP rs201812902, ClinGen allele CA7925375.

ClinVar aggregate classification (germline): Likely benign. Review status: criteria provided, multiple submitters, no conflicts (2 of 4 stars). 8 submissions from 8 submitters: Likely benign (4). 4 of the submissions do not count toward it. Last evaluated 2025-10-23.

Conditions:
Arterial calcification, generalized, of infancy, 2. Identifiers: Orphanet 51608, MedGen C3276161, MONDO:0013768, OMIM 614473.
Autosomal recessive inherited pseudoxanthoma elasticum (PXE). Identifiers: Orphanet 758, MedGen CN032334, MONDO:0009925, OMIM 264800.
Pseudoxanthoma elasticum, forme fruste. Also called: Pseudoxanthoma Elasticum, Incomplete; PSEUDOXANTHOMA ELASTICUM, HETEROZYGOUS. Identifiers: Orphanet 758, MedGen C1867450, MONDO:0008333, OMIM 177850.
ABCC6-related disorder. Also called: ABCC6-related condition.

Allele frequency attached by ClinVar (database versions not stated): 1000 Genomes Project 30x 0.00078; 1000 Genomes Project 0.00100; ESP Exome Variant Server 0.00008.
gnomAD v4.1: 235 of 1,561,150 alleles (0.015%); highest among the groups gnomAD compares: East Asian, 0.26%; no homozygotes.

Submissions (8):

Labcorp Genetics (formerly Invitae), Labcorp
Classification: Likely benign. Last evaluated: 2025-10-23. Review status: criteria provided, single submitter. Criteria: Invitae Variant Classification Sherloc (09022015). Collection method: clinical testing. Allele origin: germline.

Blueprint Genetics
Classification: Likely benign. Last evaluated: 2024-11-20. Review status: criteria provided, single submitter. Criteria: ACMG Guidelines, 2015. Collection method: clinical testing. Allele origin: germline.

CeGaT Center for Human Genetics Tuebingen
Classification: Likely benign. Last evaluated: 2022-01-01. Review status: criteria provided, single submitter. Criteria: CeGaT Center For Human Genetics Tuebingen Variant Classification Criteria Version 2. Collection method: clinical testing. Allele origin: germline. Affected: yes. Observed: 1 variant allele.

Fulgent Genetics
Classification: Likely benign for Pseudoxanthoma elasticum, forme fruste; Autosomal recessive inherited pseudoxanthoma elasticum; Arterial calcification, generalized, of infancy, 2. Last evaluated: 2021-12-04. Review status: criteria provided, single submitter. Criteria: ACMG Guidelines, 2015. Collection method: clinical testing. Allele origin: unknown.

PreventionGenetics, part of Exact Sciences
Classification: Likely benign for ABCC6-related condition. Last evaluated: 2024-06-03. Review status: no assertion criteria provided. Collection method: clinical testing. Allele origin: germline. Not counted in ClinVar's aggregate classification.
Comment: This variant is classified as likely benign based on ACMG/AMP sequence variant interpretation guidelines (Richards et al. 2015 PMID: 25741868, with internal and published modifications).

Clinical Genetics DNA and cytogenetics Diagnostics Lab, Erasmus MC, Erasmus Medical Center
Classification: Likely benign. Review status: no assertion criteria provided. Collection method: clinical testing. Allele origin: germline. Affected: yes. Study: VKGL Data-share Consensus. Not counted in ClinVar's aggregate classification.

Clinical Genetics, Academic Medical Center
Classification: Likely benign. Review status: no assertion criteria provided. Collection method: clinical testing. Allele origin: germline. Affected: yes. Study: VKGL Data-share Consensus. Not counted in ClinVar's aggregate classification.

Joint Genome Diagnostic Labs from Nijmegen and Maastricht, Radboudumc and MUMC+
Classification: Likely benign. Review status: no assertion criteria provided. Collection method: clinical testing. Allele origin: germline. Affected: yes. Study: VKGL Data-share Consensus. Not counted in ClinVar's aggregate classification.